The following is an entry in ClinVar:

ClinVar aggregate classification (germline): Uncertain significance. Review status: criteria provided, multiple submitters, no conflicts (2 of 4 stars). 4 submissions from 4 submitters: Uncertain significance (2). 2 of the submissions do not count toward it. Last evaluated 2022-01-22.

Conditions:
Long QT syndrome (LQTS). Identifiers: MedGen C0023976, MeSH D008133, MONDO:0002442. Disease mechanism: loss of function. Inheritance: Various modes of inheritance.
Cardiac arrhythmia, ankyrin-B-related. Also called: ANKYRIN-B SYNDROME. Identifiers: Orphanet 101016, Orphanet 768, MedGen C1970119, MONDO:0010958, OMIM 600919.

Allele frequency attached by ClinVar (database versions not stated): gnomAD 0.00001; gnomAD exomes 0.00001; TOPMed 0.00001.
gnomAD v4.1: 4 of 1,613,904 alleles (0.00025%); highest among the groups gnomAD compares: Non-Finnish European, 0.00034%; no homozygotes.

Submissions (4):

Fulgent Genetics
Classification: Uncertain significance for Cardiac arrhythmia, ankyrin-B-related. Last evaluated: 2022-01-22. Review status: criteria provided, single submitter. Criteria: ACMG Guidelines, 2015. Collection method: clinical testing. Allele origin: unknown.

Labcorp Genetics (formerly Invitae), Labcorp
Classification: Uncertain significance for Long QT syndrome. Last evaluated: 2020-12-21. Review status: criteria provided, single submitter. Criteria: Invitae Variant Classification Sherloc (09022015). Collection method: clinical testing. Allele origin: germline.
Comment: In summary, the available evidence is currently insufficient to determine the role of this variant in disease. Therefore, it has been classified as a Variant of Uncertain Significance. Algorithms developed to predict the effect of missense changes on protein structure and function are either unavailable or do not agree on the potential impact of this missense change (SIFT: "Tolerated"; PolyPhen-2: "Possibly Damaging"; Align-GVGD: "Class C0"). This variant has not been reported in the literature in individuals with ANK2-related conditions. This variant is not present in population databases (ExAC no frequency). This sequence change replaces glycine with arginine at codon 3376 of the ANK2 protein (p.Gly3376Arg). The glycine residue is weakly conserved and there is a moderate physicochemical difference between glycine and arginine.

Clinical Genetics DNA and cytogenetics Diagnostics Lab, Erasmus MC, Erasmus Medical Center
Classification: Uncertain significance. Review status: no assertion criteria provided. Collection method: clinical testing. Allele origin: germline. Affected: yes. Study: VKGL Data-share Consensus. Not counted in ClinVar's aggregate classification.

Joint Genome Diagnostic Labs from Nijmegen and Maastricht, Radboudumc and MUMC+
Classification: Uncertain significance. Review status: no assertion criteria provided. Collection method: clinical testing. Allele origin: germline. Affected: yes. Study: VKGL Data-share Consensus. Not counted in ClinVar's aggregate classification.

NM_001148.6(ANK2):c.10126G>A (p.Gly3376Arg)

Gene: ANK2 (ankyrin 2; plus strand). Cytogenetic location: 4q26.
Variant type: single nucleotide variant.
Coding change: c.10126G>A on transcript NM_001148.6 (MANE Select); coding-DNA position 10126, G replaced by A.
Protein change: p.Gly3376Arg; replaces glycine 3376 with arginine.
Molecular consequence: missense variant. On other transcripts: intron variant (68).
Genome position (GRCh38, 1-based): chr4:113,358,744, G>A. VCF-style: chr4-113358744-G-A. GRCh37 (hg19) VCF-style: chr4-114279900-G-A.
Other names: c.9892G>A, p.Gly3298Arg (NM_001386142.1); c.6526G>A, p.Gly2176Arg (NM_001386166.1); c.10267G>A, p.Gly3423Arg (NM_001386174.1); c.10243G>A, p.Gly3415Arg (NM_001386175.1); c.4412-2079G>A (NM_001386186.2, NM_001386148.2); c.4214-2079G>A (NM_001354269.3); c.4292-2079G>A (NM_001386187.2); c.4253-2079G>A (NM_001386147.1); and 35 more; short protein forms G2176R, G3298R, G3376R, G3415R, G3423R.
Identifiers: ClinVar variation 1297629 (VCV001297629.12), dbSNP rs1171741008, ClinGen allele CA357939734.